The following is an entry in ClinVar:

NM_001448.3(GPC4):c.1032del (p.Lys345fs)

Gene: GPC4 (glypican 4; minus strand). Cytogenetic location: Xq26.2.
Variant type: Deletion.
Coding change: c.1032del on transcript NM_001448.3 (MANE Select); coding-DNA position 1032, one base deleted (C; older notation c.1032delC).
Protein change: p.Lys345fs; shifts the reading frame from lysine 345.
Molecular consequence: frameshift variant.
Genome position (GRCh38, 1-based): chrX:133,305,895, G deleted on the plus strand (C on the coding strand, the reverse complement: GPC4 is on the minus strand); the first of 6 consecutive G bases (chrX:133,305,895-133,305,900); deleting any one gives the same sequence. VCF-style (leftmost placement, unchanged base first): chrX-133305894-TG-T. GRCh37 (hg19) VCF-style: chrX-132439922-TG-T.
Other names: short protein forms K345fs.
Identifiers: ClinVar variation 3061373 (VCV003061373.4), dbSNP rs1603054589, ClinGen allele CA518852193.

ClinVar aggregate classification (germline): Likely pathogenic. Review status: criteria provided, single submitter (1 of 4 stars). 2 submissions from 2 submitters: Likely pathogenic (1). 1 of the submissions does not count toward it. Last evaluated 2024-12-06.

Conditions:
GPC4-related disorder. Also called: GPC4-related condition.

Submissions (2):

Dasa
Classification: Likely pathogenic. Last evaluated: 2024-12-06. Review status: criteria provided, single submitter. Criteria: DASA Assertion Criteria. Collection method: clinical testing. Allele origin: germline.
Comment: NM_001448.3(GPC4):c.1032del (p.Lys345Serfs*49) is a frameshift variant in GPC4 predicted to alter the reading frame and introduce a premature termination codon and is predicted to result in an absent or altered protein product. Loss of function is an established disease mechanism for GPC4-associated disorders. Also, this variant is absent from population databases. Based on the currently available evidence, this variant is classified as likely pathogenic.

PreventionGenetics, part of Exact Sciences
Classification: Likely pathogenic for GPC4-related condition. Last evaluated: 2024-02-21. Review status: no assertion criteria provided. Collection method: clinical testing. Allele origin: germline. Not counted in ClinVar's aggregate classification.
Comment: The GPC4 c.1032delC variant is predicted to result in a frameshift and premature protein termination (p.Lys345Serfs*49). To our knowledge, this variant has not been reported in the literature or in a large population database, indicating this variant is rare. Frameshift variants in GPC4 are expected to be pathogenic (Amor et al. 2019. PubMed ID: 30982611). This variant is interpreted as likely pathogenic.